The following is an entry in ClinVar:

NM_002397.5(MEF2C):c.866A>C (p.Gln289Pro)

Gene: MEF2C (myocyte enhancer factor 2C; minus strand). Cytogenetic location: 5q14.3.
Variant type: single nucleotide variant.
Coding change: c.866A>C on transcript NM_002397.5 (MANE Select); coding-DNA position 866, A replaced by C.
Protein change: p.Gln289Pro; replaces glutamine 289 with proline.
Molecular consequence: missense variant.
Genome position (GRCh38, 1-based): chr5:88,729,316, T>G on the plus strand (A>C on the coding strand, the complement: MEF2C is on the minus strand). VCF-style: chr5-88729316-T-G. GRCh37 (hg19) VCF-style: chr5-88025133-T-G.
Other names: c.836A>C, p.Gln279Pro (NM_001131005.2, NM_001364343.2, NM_001364352.2); c.896A>C, p.Gln299Pro (NM_001193347.1, NM_001364338.2); c.698A>C, p.Gln233Pro (NM_001193348.1); c.722A>C, p.Gln241Pro (NM_001193349.3, NM_001364332.2, NM_001364344.2 and 2 more transcripts); c.866A>C, p.Gln289Pro (NM_001193350.2, NM_001363581.2, NM_001364329.2 and 9 more transcripts); c.842A>C, p.Gln281Pro (NM_001308002.3, NM_001364333.2, NM_001364339.2 and 6 more transcripts); c.488A>C, p.Gln163Pro (NM_001364353.2, NM_001364356.2); c.416A>C, p.Gln139Pro (NM_001364357.2); short protein forms Q281P, Q241P, Q289P, Q139P, Q163P, Q233P, Q279P, Q299P.
Identifiers: ClinVar variation 4709949 (VCV004709949.1).

ClinVar aggregate classification (germline): Uncertain significance (1 of 4 stars; one submission).

Conditions:
Neurodevelopmental disorder with hypotonia, stereotypic hand movements, and impaired language. Also called: Intellectual disability, autosomal dominant 20. Identifiers: Orphanet 228384, Orphanet 664410, MedGen C3150700, MONDO:0013266, OMIM 613443.

Submission:

Labcorp Genetics (formerly Invitae), Labcorp
Classification: Uncertain significance for Neurodevelopmental disorder with hypotonia, stereotypic hand movements, and impaired language. Last evaluated: 2025-10-20. Review status: criteria provided, single submitter. Criteria: Invitae Variant Classification Sherloc (09022015). Collection method: clinical testing. Allele origin: germline.
Comment: This sequence change replaces glutamine, which is neutral and polar, with proline, which is neutral and non-polar, at codon 289 of the MEF2C protein (p.Gln289Pro). This variant is not present in population databases (gnomAD no frequency). This variant has not been reported in the literature in individuals affected with MEF2C-related conditions. Invitae Evidence Modeling of protein sequence and biophysical properties (such as structural, functional, and spatial information, amino acid conservation, physicochemical variation, residue mobility, and thermodynamic stability) indicates that this missense variant is expected to disrupt MEF2C protein function with a positive predictive value of 80%. In summary, the available evidence is currently insufficient to determine the role of this variant in disease. Therefore, it has been classified as a Variant of Uncertain Significance.